The following is an entry in ClinVar:

NM_004260.4(RECQL4):c.1354C>G (p.Pro452Ala)

Gene: RECQL4 (RecQ like helicase 4; minus strand). Cytogenetic location: 8q24.3.
Variant type: single nucleotide variant.
Coding change: c.1354C>G on transcript NM_004260.4 (MANE Select); coding-DNA position 1354, C replaced by G.
Protein change: p.Pro452Ala; replaces proline 452 with alanine.
Molecular consequence: missense variant. On other transcripts: 5 prime UTR variant (1), non-coding transcript variant (3).
Genome position (GRCh38, 1-based): chr8:144,515,362, G>C on the plus strand (C>G on the coding strand, the complement: RECQL4 is on the minus strand). VCF-style: chr8-144515362-G-C. GRCh37 (hg19) VCF-style: chr8-145740746-G-C.
Other names: c.1258C>G, p.Pro420Ala (NM_001413017.1, NM_001413020.1); c.1354C>G, p.Pro452Ala (NM_001413018.1, NM_001413019.1, NM_001413033.1 and 2 more transcripts); c.283C>G, p.Pro95Ala (NM_001413021.1, NM_001413022.1, NM_001413023.1 and 8 more transcripts); c.1225C>G, p.Pro409Ala (NM_001413025.1); c.217C>G, p.Pro73Ala (NM_001413027.1, NM_001413030.1, NM_001413031.1 and 2 more transcripts); c.1003C>G, p.Pro335Ala (NM_001413029.1); c.-114C>G (NM_001413043.1); short protein forms P420A, P95A, P409A, P73A, P335A, P452A.
Identifiers: ClinVar variation 3431877 (VCV003431877.1).

ClinVar aggregate classification (germline): Uncertain significance (1 of 4 stars; one submission).

Conditions:
Inborn genetic diseases. Identifiers: MedGen C0950123, MeSH D030342.

Submission:

Ambry Genetics
Classification: Uncertain significance for Inborn genetic diseases. Last evaluated: 2024-11-25. Review status: criteria provided, single submitter. Criteria: Ambry Variant Classification Scheme 2023. Collection method: clinical testing. Allele origin: germline.
Comment: The p.P452A variant (also known as c.1354C>G), located in coding exon 7 of the RECQL4 gene, results from a C to G substitution at nucleotide position 1354. The proline at codon 452 is replaced by alanine, an amino acid with highly similar properties. This amino acid position is conserved. In addition, the in silico prediction for this alteration is inconclusive. Based on the available evidence, the clinical significance of this variant remains unclear.